The following is an entry in ClinVar:

ClinVar aggregate classification (germline): Uncertain significance (1 of 4 stars; one submission).

Allele frequency attached by ClinVar (database versions not stated): gnomAD 0.00001; TOPMed 0.00001.
gnomAD v4.1: 7 of 1,613,342 alleles (0.00043%); highest among the groups gnomAD compares: Admixed American, 0.0033%; no homozygotes.

Submission:

GeneDx
Classification: Uncertain significance. Last evaluated: 2016-11-23. Review status: criteria provided, single submitter. Criteria: GeneDx Variant Classification (06012015). Collection method: clinical testing. Allele origin: germline. Affected: yes.
Comment: A variant of uncertain significance has been identified in the FAM134B gene. The S302P variant has not been published as a pathogenic variant, nor has it been reported as a benign variant to our knowledge. It was not observed in approximately 5,900 individuals of European and African American ancestry in the NHLBI Exome Sequencing Project, indicating it is not a common benign variant in these populations. The S302P variant is a non-conservative amino acid substitution, which is likely to impact secondary protein structure as these residues differ in polarity, charge, size and/or other properties. This substitution occurs at a position that is conserved across species and in silico analysis predicts this variant is probably damaging to the protein structure/function. However, missense variants in nearby residues have not been reported in Human Gene Mutation Database in association with FAM134B-related disorders. Therefore, based on the currently available information, it is unclear whether this variant is a pathogenic variant or a rare benign variant.

NM_001034850.3(RETREG1):c.904T>C (p.Ser302Pro)

Gene: RETREG1 (reticulophagy regulator 1; minus strand). Cytogenetic location: 5p15.1.
Variant type: single nucleotide variant.
Coding change: c.904T>C on transcript NM_001034850.3 (MANE Select); coding-DNA position 904, T replaced by C.
Protein change: p.Ser302Pro; replaces serine 302 with proline.
Molecular consequence: missense variant.
Genome position (GRCh38, 1-based): chr5:16,477,758, A>G on the plus strand (T>C on the coding strand, the complement: RETREG1 is on the minus strand). VCF-style: chr5-16477758-A-G. GRCh37 (hg19) VCF-style: chr5-16477867-A-G.
Other names: c.481T>C, p.Ser161Pro (NM_019000.5); short protein forms S302P, S161P.
Identifiers: ClinVar variation 373494 (VCV000373494.1), dbSNP rs1057518447, ClinGen allele CA16042513.
Genomic context (GRCh38, chr5:16,477,758, plus strand): 5'-AAAGGTTGAAGGTCCCATTATCAGTCCAGGATACCTCTGAGACGTCTGTGTCAGACACAG[A>G]TAACTCTTTGGCAGCAACCGTGAGGCTAATCTGTGTTAATATAAATAAATACCAGCGGCA-3'
Protein context (NP_001030022.1, residues 292-312): ISLTVAAKEL[Ser302Pro]VSDTDVSEVS